The following is an entry in ClinVar:

NM_002693.3(POLG):c.137A>G (p.Gln46Arg)

Genes: POLGARF (POLG alternative reading frame; minus strand), POLG (DNA polymerase gamma, catalytic subunit; minus strand). Cytogenetic location: 15q26.1.
Variant type: single nucleotide variant.
Coding change: c.137A>G on transcript NM_002693.3 (MANE Select); coding-DNA position 137, A replaced by G.
Protein change: p.Gln46Arg; replaces glutamine 46 with arginine.
Molecular consequence: missense variant.
Genome position (GRCh38, 1-based): chr15:89,333,618, T>C on the plus strand (A>G on the coding strand, the complement: POLG is on the minus strand). VCF-style: chr15-89333618-T-C. GRCh37 (hg19) VCF-style: chr15-89876849-T-C.
Other names: c.137A>G, p.Gln46Arg (NM_001126131.2); short protein forms Q46R.
Identifiers: ClinVar variation 497598 (VCV000497598.36), dbSNP rs1555454339, ClinGen allele CA10602190.

ClinVar aggregate classification (germline): Conflicting classifications of pathogenicity. Review status: criteria provided, conflicting classifications (1 of 4 stars). 5 submissions from 5 submitters: Uncertain significance (4); Likely benign (1). Last evaluated 2025-10-15.

Conditions:
Progressive sclerosing poliodystrophy (MTDPS4A). Also called: Mitochondrial DNA Depletion Syndrome 4A; Alpers-Huttenlocher Syndrome (AHS); NEURONAL DEGENERATION OF CHILDHOOD WITH LIVER DISEASE, PROGRESSIVE; Alpers Syndrome; ALPERS DIFFUSE DEGENERATION OF CEREBRAL GRAY MATTER WITH HEPATIC CIRRHOSIS; Alpers-Huttenlocher Syndrome. Identifiers: Orphanet 726, MedGen C0205710, MONDO:0008758, OMIM 203700.
Inborn genetic diseases. Identifiers: MedGen C0950123, MeSH D030342.

Allele frequency attached by ClinVar (database versions not stated): gnomAD exomes below 0.00001; TOPMed below 0.00001.
gnomAD v4.1: 3 of 1,600,778 alleles (0.00019%); highest among the groups gnomAD compares: African/African-American, 0.0013%; no homozygotes.

Submissions (5):

Ambry Genetics
Classification: Uncertain significance for Inborn genetic diseases. Last evaluated: 2025-10-15. Review status: criteria provided, single submitter. Criteria: Ambry Variant Classification Scheme 2023. Collection method: clinical testing. Allele origin: germline.
Comment: The c.137A>G (p.Q46R) alteration is located in exon 2 (coding exon 1) of the POLG gene. This alteration results from a A to G substitution at nucleotide position 137, causing the glutamine (Q) at amino acid position 46 to be replaced by an arginine (R). Based on data from gnomAD, the G allele has an overall frequency of <0.001% (1/224566) total alleles studied. The highest observed frequency was 0.001% (1/99516) of European (non-Finnish) alleles. Based on insufficient or conflicting evidence, the clinical significance of this alteration remains unclear.

CeGaT Center for Human Genetics Tuebingen
Classification: Uncertain significance. Last evaluated: 2023-01-01. Review status: criteria provided, single submitter. Criteria: CeGaT Center For Human Genetics Tuebingen Variant Classification Criteria Version 2. Collection method: clinical testing. Allele origin: germline. Affected: yes. Observed: 1 variant allele.
Comment: POLG: PM2

Labcorp Genetics (formerly Invitae), Labcorp
Classification: Uncertain significance for Progressive sclerosing poliodystrophy. Last evaluated: 2021-07-18. Review status: criteria provided, single submitter. Criteria: Invitae Variant Classification Sherloc (09022015). Collection method: clinical testing. Allele origin: germline.
Comment: Algorithms developed to predict the effect of missense changes on protein structure and function are either unavailable or do not agree on the potential impact of this missense change (SIFT: "Deleterious"; PolyPhen-2: "Benign"; Align-GVGD: "Class C0"). This sequence change replaces glutamine with arginine at codon 46 of the POLG protein (p.Gln46Arg). The glutamine residue is weakly conserved and there is a small physicochemical difference between glutamine and arginine. This variant is not present in population databases (ExAC no frequency). This variant has not been reported in the literature in individuals affected with POLG-related conditions. ClinVar contains an entry for this variant (Variation ID: 497598). In summary, the available evidence is currently insufficient to determine the role of this variant in disease. Therefore, it has been classified as a Variant of Uncertain Significance.

Wong Mito Lab, Molecular and Human Genetics, Baylor College of Medicine
Classification: Likely benign for Progressive sclerosing poliodystrophy. Last evaluated: 2018-10-01. Review status: criteria provided, single submitter. Criteria: ACMG Guidelines, 2015. Collection method: clinical testing. Allele origin: germline.
Comment: The NM_002693.2:c.137A>G (NP_002684.1:p.Gln46Arg) [GRCH38: NC_000015.10:g.89333618T>C] variant in POLG gene is interpretated to be a Likely Benign based on ACMG guidelines (PMID: 25741868). This variant meets the following evidence codes reported in the ACMG-guideline. BP3:This variant results in inframe indel in repeats without known function. BP4:Computational evidence/predictors indicate no impact on the POLG structure, function, or protein-protein interaction. Based on the evidence criteria codes applied, the variant is suggested to be Likely Benign.

Eurofins Ntd Llc (ga)
Classification: Uncertain significance. Last evaluated: 2016-09-26. Review status: criteria provided, single submitter. Criteria: EGL Classification Definitions 2015. Collection method: clinical testing. Allele origin: germline. Observed: 1 variant allele, 1 heterozygote.